The following is an entry in ClinVar:

NM_004628.5(XPC):c.1873-2A>G

Gene: XPC (XPC complex subunit, DNA damage recognition and repair factor; minus strand). Cytogenetic location: 3p25.1.
Variant type: single nucleotide variant.
Coding change: c.1873-2A>G on transcript NM_004628.5 (MANE Select); the canonical splice acceptor site of the intron before coding-DNA position 1873, A replaced by G.
Molecular consequence: splice acceptor variant. On other transcripts: intron variant (1).
Genome position (GRCh38, 1-based): chr3:14,156,497, T>C on the plus strand (A>G on the coding strand, the complement: XPC is on the minus strand). VCF-style: chr3-14156497-T-C. GRCh37 (hg19) VCF-style: chr3-14197997-T-C.
Other names: c.1855-2A>G (NM_001354729.2); c.1294-2A>G (NM_001354726.2); c.1627-2A>G (NM_001354730.2); c.1872+1514A>G (NM_001354727.2).
Identifiers: ClinVar variation 1068264 (VCV001068264.8), dbSNP rs2125022131, ClinGen allele CA351538841.

ClinVar aggregate classification (germline): Likely pathogenic (1 of 4 stars; one submission).

Allele frequency attached by ClinVar (database versions not stated): gnomAD exomes below 0.00001.
gnomAD v4.1: 1 of 1,613,892 alleles (0.000062%); highest among the groups gnomAD compares: Non-Finnish European, 0.000085%; no homozygotes.

Submission:

Labcorp Genetics (formerly Invitae), Labcorp
Classification: Likely pathogenic. Last evaluated: 2021-04-27. Review status: criteria provided, single submitter. Criteria: Invitae Variant Classification Sherloc (09022015). Collection method: clinical testing. Allele origin: germline.
Comment: Algorithms developed to predict the effect of sequence changes on RNA splicing suggest that this variant may disrupt the consensus splice site, but this prediction has not been confirmed by published transcriptional studies. This variant has not been reported in the literature in individuals with XPC-related conditions. In summary, the currently available evidence indicates that the variant is pathogenic, but additional data are needed to prove that conclusively. Therefore, this variant has been classified as Likely Pathogenic. Donor and acceptor splice site variants typically lead to a loss of protein function (PMID: 16199547), and loss-of-function variants in XPC are known to be pathogenic (PMID: 23173980, 25256075). This sequence change affects an acceptor splice site in intron 9 of the XPC gene. It is expected to disrupt RNA splicing and likely results in an absent or disrupted protein product. This variant is not present in population databases (ExAC no frequency).

Literature cited by the submitters: PubMed 16199547; PubMed 23173980; PubMed 25256075.